The following is an entry in ClinVar:

NM_000138.5(FBN1):c.6997+4A>C

Gene: FBN1 (fibrillin 1; minus strand). Cytogenetic location: 15q21.1.
Variant type: single nucleotide variant.
Coding change: c.6997+4A>C on transcript NM_000138.5 (MANE Select); 4 bases into the intron after coding-DNA position 6997, A replaced by C.
Molecular consequence: intron variant.
Genome position (GRCh38, 1-based): chr15:48,428,342, T>G on the plus strand (A>C on the coding strand, the complement: FBN1 is on the minus strand). VCF-style: chr15-48428342-T-G. GRCh37 (hg19) VCF-style: chr15-48720539-T-G.
Identifiers: ClinVar variation 1312438 (VCV001312438.2), dbSNP rs727503055, ClinGen allele CA2573054025.

ClinVar aggregate classification (germline): Uncertain significance (1 of 4 stars; one submission).

Submission:

GeneDx
Classification: Uncertain significance. Last evaluated: 2019-09-30. Review status: criteria provided, single submitter. Criteria: GeneDx Variant Classification Process June 2021. Collection method: clinical testing. Allele origin: germline. Affected: yes.
Comment: Not observed in large population cohorts (Lek et al., 2016); Has not been previously published as pathogenic or benign to our knowledge; In-silico analysis, which includes splice predictors and evolutionary conservation, is inconclusive as to whether the variant alters gene splicing. In the absence of RNA/functional studies, the actual effect of this sequence change is unknown.